The following is an entry in ClinVar:

NM_001199107.2(TBC1D24):c.170G>A (p.Arg57His)

Gene: TBC1D24 (TBC1 domain family member 24; plus strand). Cytogenetic location: 16p13.3.
Variant type: single nucleotide variant.
Coding change: c.170G>A on transcript NM_001199107.2 (MANE Select); coding-DNA position 170, G replaced by A.
Protein change: p.Arg57His; replaces arginine 57 with histidine.
Molecular consequence: missense variant.
Genome position (GRCh38, 1-based): chr16:2,496,318, G>A. VCF-style: chr16-2496318-G-A. GRCh37 (hg19) VCF-style: chr16-2546319-G-A.
Other names: c.170G>A, p.Arg57His (NM_020705.3); short protein forms R57H.
Identifiers: ClinVar variation 431832 (VCV000431832.5), dbSNP rs370100394, ClinGen allele CA7843939.

ClinVar aggregate classification (germline): Uncertain significance. Review status: criteria provided, multiple submitters, no conflicts (2 of 4 stars). 2 submissions from 2 submitters: Uncertain significance (2). Last evaluated 2024-03-15.

Conditions:
Developmental and epileptic encephalopathy, 1 (DEE1). Also called: X-linked infantile spasms; West's syndrome; Tonic spasms with clustering, arrest of psychomotor development and hypsarrhythmia on EEG; X-Linked Infantile Spasm Syndrome; OHTAHARA SYNDROME, X-LINKED; Epileptic encephalopathy, early infantile, 1. Identifiers: MedGen C3463992, MONDO:0010632, OMIM 308350. Disease mechanism: loss of function.
Autosomal dominant nonsyndromic hearing loss 65. Also called: Deafness, autosomal dominant 65; TBC1D24-Related Autosomal Dominant Nonsyndromic Hearing Loss (DFNA). Identifiers: Orphanet 90635, MedGen C3892048, MONDO:0014470, OMIM 616044.

Allele frequency attached by ClinVar (database versions not stated): ExAC 0.00002; ESP Exome Variant Server 0.00008; TOPMed below 0.00001; gnomAD exomes below 0.00001.

Submissions (2):

Labcorp Genetics (formerly Invitae), Labcorp
Classification: Uncertain significance for Developmental and epileptic encephalopathy, 1; Autosomal dominant nonsyndromic hearing loss 65. Last evaluated: 2024-03-15. Review status: criteria provided, single submitter. Criteria: Invitae Variant Classification Sherloc (09022015). Collection method: clinical testing. Allele origin: germline.
Comment: This sequence change replaces arginine, which is basic and polar, with histidine, which is basic and polar, at codon 57 of the TBC1D24 protein (p.Arg57His). This variant is present in population databases (rs370100394, gnomAD 0.0009%). This variant has not been reported in the literature in individuals affected with TBC1D24-related conditions. ClinVar contains an entry for this variant (Variation ID: 431832). Advanced modeling of protein sequence and biophysical properties (such as structural, functional, and spatial information, amino acid conservation, physicochemical variation, residue mobility, and thermodynamic stability) performed at Invitae indicates that this missense variant is not expected to disrupt TBC1D24 protein function with a negative predictive value of 80%. In summary, the available evidence is currently insufficient to determine the role of this variant in disease. Therefore, it has been classified as a Variant of Uncertain Significance.

GeneDx
Classification: Uncertain significance. Last evaluated: 2016-09-22. Review status: criteria provided, single submitter. Criteria: GeneDx Variant Classification (06012015). Collection method: clinical testing. Allele origin: germline. Affected: yes.
Comment: The R57H variant has not been published as a pathogenic variant, nor has it been reported as a benign variant to our knowledge. The R57H variant was not observed with any significant frequency in approximately 6,300 individuals of European and African American ancestry in the NHLBI Exome Sequencing Project. The R57H variant is a conservative amino acid substitution, which is not likely to impact secondary protein structure as these residues share similar properties. Additionally, this substitution occurs at a position that is not conserved. In silico analysis is inconsistent in its predictions as to whether or not the variant is damaging to the protein structure/function. Therefore, based on the currently available information, it is unclear whether this variant is a pathogenic variant or a rare benign variant.